The following is an entry in ClinVar:

ClinVar aggregate classification (germline): Conflicting classifications of pathogenicity. Review status: criteria provided, conflicting classifications (1 of 4 stars). 4 submissions from 4 submitters: Uncertain significance (2); Benign (1); Likely benign (1). Last evaluated 2025-06-29.

Conditions:
Cardiovascular phenotype. Identifiers: MedGen CN230736.
Long QT syndrome (LQTS). Identifiers: MedGen C0023976, MeSH D008133, MONDO:0002442. Disease mechanism: loss of function. Inheritance: Various modes of inheritance.
Long QT syndrome 11 (LQT11). Identifiers: Orphanet 101016, Orphanet 768, MedGen C2678483, MONDO:0012738, OMIM 611820.

Allele frequency attached by ClinVar (database versions not stated): gnomAD 0.00001 and 0.00002; gnomAD exomes 0.00002 and 0.00010; TOPMed 0.00004; ExAC 0.00011.
gnomAD v4.1: 28 of 1,613,972 alleles (0.0017%); highest among the groups gnomAD compares: East Asian, 0.06%; no homozygotes.

Submissions (4):

Labcorp Genetics (formerly Invitae), Labcorp
Classification: Uncertain significance for Long QT syndrome. Last evaluated: 2025-06-29. Review status: criteria provided, single submitter. Criteria: Invitae Variant Classification Sherloc (09022015). Collection method: clinical testing. Allele origin: germline.
Comment: This sequence change replaces arginine, which is basic and polar, with lysine, which is basic and polar, at codon 40 of the AKAP9 protein (p.Arg40Lys). This variant is present in population databases (rs755408339, gnomAD 0.1%), and has an allele count higher than expected for a pathogenic variant. This variant has not been reported in the literature in individuals affected with AKAP9-related conditions. ClinVar contains an entry for this variant (Variation ID: 190499). An algorithm developed to predict the effect of missense changes on protein structure and function outputs the following: PolyPhen-2: "Benign". The lysine amino acid residue is found in multiple mammalian species, which suggests that this missense change does not adversely affect protein function. In summary, the available evidence is currently insufficient to determine the role of this variant in disease. Therefore, it has been classified as a Variant of Uncertain Significance.

Ambry Genetics
Classification: Benign for Cardiovascular phenotype. Last evaluated: 2023-06-22. Review status: criteria provided, single submitter. Criteria: Ambry Variant Classification Scheme 2023. Collection method: clinical testing. Allele origin: germline.

Revvity Omics, Revvity
Classification: Uncertain significance for Long QT syndrome 11. Last evaluated: 2022-06-06. Review status: criteria provided, single submitter. Criteria: ACMG Guidelines, 2015. Collection method: clinical testing. Allele origin: germline.

GeneDx
Classification: Likely benign. Last evaluated: 2020-11-20. Review status: criteria provided, single submitter. Criteria: GeneDx Variant Classification Process June 2021. Collection method: clinical testing. Allele origin: germline. Affected: yes.

NM_005751.5(AKAP9):c.119G>A (p.Arg40Lys)

Gene: AKAP9 (A-kinase anchoring protein 9; plus strand). Cytogenetic location: 7q21.2.
Variant type: single nucleotide variant.
Coding change: c.119G>A on transcript NM_005751.5 (MANE Select); coding-DNA position 119, G replaced by A.
Protein change: p.Arg40Lys; replaces arginine 40 with lysine.
Molecular consequence: missense variant.
Genome position (GRCh38, 1-based): chr7:91,973,781, G>A. VCF-style: chr7-91973781-G-A. GRCh37 (hg19) VCF-style: chr7-91603095-G-A.
Other names: p.R40K:AGA>AAA; c.119G>A, p.Arg40Lys (NM_147185.3); short protein forms R40K.
Identifiers: ClinVar variation 190499 (VCV000190499.10), dbSNP rs755408339, ClinGen allele CA300645.